The following is an entry in ClinVar:

NM_016292.3(TRAP1):c.1019G>A (p.Arg340His)

Gene: TRAP1 (TNF receptor associated protein 1; minus strand). Cytogenetic location: 16p13.3.
Variant type: single nucleotide variant.
Coding change: c.1019G>A on transcript NM_016292.3 (MANE Select); coding-DNA position 1019, G replaced by A.
Protein change: p.Arg340His; replaces arginine 340 with histidine.
Molecular consequence: missense variant.
Genome position (GRCh38, 1-based): chr16:3,674,364, C>T on the plus strand (G>A on the coding strand, the complement: TRAP1 is on the minus strand). VCF-style: chr16-3674364-C-T. GRCh37 (hg19) VCF-style: chr16-3724365-C-T.
Other names: c.860G>A, p.Arg287His (NM_001272049.2); short protein forms R340H, R287H.
Identifiers: ClinVar variation 559152 (VCV000559152.11), dbSNP rs145715008, ClinGen allele CA7868352.

ClinVar aggregate classification (germline): Uncertain significance. Review status: criteria provided, multiple submitters, no conflicts (2 of 4 stars). 3 submissions from 3 submitters: Uncertain significance (2). 1 of the submissions does not count toward it. Last evaluated 2026-01-12.

Allele frequency attached by ClinVar (database versions not stated): 1000 Genomes Project 30x 0.00016; 1000 Genomes Project 0.00020; gnomAD exomes 0.00040; TOPMed 0.00040; ExAC 0.00044; gnomAD 0.00048 and 0.00051; ESP Exome Variant Server 0.00085.
gnomAD v4.1: 1,159 of 1,614,034 alleles (0.072%); highest among the groups gnomAD compares: Non-Finnish European, 0.092%; no homozygotes.

Submissions (3):

Labcorp Genetics (formerly Invitae), Labcorp
Classification: Uncertain significance. Last evaluated: 2026-01-12. Review status: criteria provided, single submitter. Criteria: Invitae Variant Classification Sherloc (09022015). Collection method: clinical testing. Allele origin: germline.
Comment: This sequence change replaces arginine, which is basic and polar, with histidine, which is basic and polar, at codon 340 of the TRAP1 protein (p.Arg340His). This variant is present in population databases (rs145715008, gnomAD 0.07%), and has an allele count higher than expected for a pathogenic variant. This variant has not been reported in the literature in individuals affected with TRAP1-related conditions. ClinVar contains an entry for this variant (Variation ID: 559152). Invitae Evidence Modeling of protein sequence and biophysical properties (such as structural, functional, and spatial information, amino acid conservation, physicochemical variation, residue mobility, and thermodynamic stability) indicates that this missense variant is not expected to disrupt TRAP1 protein function with a negative predictive value of 80%. In summary, the available evidence is currently insufficient to determine the role of this variant in disease. Therefore, it has been classified as a Variant of Uncertain Significance.

Ambry Genetics
Classification: Uncertain significance. Last evaluated: 2021-09-30. Review status: criteria provided, single submitter. Criteria: Ambry Variant Classification Scheme 2023. Collection method: clinical testing. Allele origin: germline.

Mayo Clinic Laboratories, Mayo Clinic
Classification: Uncertain significance. Last evaluated: 2018-01-03. Review status: no assertion criteria provided. Collection method: clinical testing. Allele origin: unknown. Not counted in ClinVar's aggregate classification.